The following is an entry in ClinVar:

ClinVar aggregate classification (germline): Pathogenic (1 of 4 stars; one submission).

Conditions:
Inflammatory skin and bowel disease, neonatal, 1. Identifiers: Orphanet 294023, MedGen C3280501, MONDO:0013693, OMIM 614328.

Submission:

Labcorp Genetics (formerly Invitae), Labcorp
Classification: Pathogenic for Inflammatory skin and bowel disease, neonatal, 1. Last evaluated: 2022-02-03. Review status: criteria provided, single submitter. Criteria: Invitae Variant Classification Sherloc (09022015). Collection method: clinical testing. Allele origin: germline.
Comment: For these reasons, this variant has been classified as Pathogenic. This variant has not been reported in the literature in individuals affected with ADAM17-related conditions. This variant is not present in population databases (gnomAD no frequency). This sequence change creates a premature translational stop signal (p.Glu207Serfs*6) in the ADAM17 gene. It is expected to result in an absent or disrupted protein product. Loss-of-function variants in ADAM17 are known to be pathogenic (PMID: 22010916, 25804906).

Literature cited by the submitters: PubMed 22010916; PubMed 25804906.

NM_003183.6(ADAM17):c.619+1del

Gene: ADAM17 (ADAM metallopeptidase domain 17; minus strand). Cytogenetic location: 2p25.1.
Variant type: Deletion.
Coding change: c.619+1del on transcript NM_003183.6 (MANE Select); the canonical splice donor site of the intron after coding-DNA position 619, one base deleted (G; older notation c.619+1delG).
Molecular consequence: splice donor variant.
Genome position (GRCh38, 1-based): chr2:9,527,785, C deleted on the plus strand (G on the coding strand, the reverse complement: ADAM17 is on the minus strand); the first of 2 consecutive C bases (chr2:9,527,785-9,527,786); deleting either gives the same sequence. VCF-style (leftmost placement, unchanged base first): chr2-9527784-AC-A. GRCh37 (hg19) VCF-style: chr2-9667913-AC-A.
Other names: c.-62+1del (NM_001382777.1); c.-304+1del (NM_001382778.1).
Identifiers: ClinVar variation 2092587 (VCV002092587.4), dbSNP rs2527361700, ClinGen allele CA2580068146.